The following is an entry in ClinVar:

NM_014855.3(AP5Z1):c.1378G>A (p.Ala460Thr)

Gene: AP5Z1 (adaptor related protein complex 5 subunit zeta 1; plus strand). Cytogenetic location: 7p22.1.
Variant type: single nucleotide variant.
Coding change: c.1378G>A on transcript NM_014855.3 (MANE Select); coding-DNA position 1378, G replaced by A.
Protein change: p.Ala460Thr; replaces alanine 460 with threonine.
Molecular consequence: missense variant. On other transcripts: non-coding transcript variant (1).
Genome position (GRCh38, 1-based): chr7:4,787,700, G>A. VCF-style: chr7-4787700-G-A. GRCh37 (hg19) VCF-style: chr7-4827331-G-A.
Other names: c.1378G>A, p.Ala460Thr (LRG_1247t1); c.910G>A, p.Ala304Thr (NM_001364858.1); short protein forms A304T, A460T.
Identifiers: ClinVar variation 653182 (VCV000653182.11), dbSNP rs371881628, ClinGen allele CA4137781.
Genomic context (GRCh38, chr7:4,787,700, plus strand): 5'-GCCTGGAACAGCCCACCCCTCACCTCCGAGTTTGTGGCGCTCCTCCCGGCCCTGGTGGAC[G>A]CTGGCACAGCCCTGGAGATGCTGCACGCGCTGCTGGACCTGCCCTGCTTGACGGCGGTGC-3'
Protein context (NP_055670.1, residues 450-470): FVALLPALVD[Ala460Thr]GTALEMLHAL

ClinVar aggregate classification (germline): Uncertain significance. Review status: criteria provided, multiple submitters, no conflicts (2 of 4 stars). 3 submissions from 3 submitters: Uncertain significance (2). 1 of the submissions does not count toward it. Last evaluated 2024-10-22.

Conditions:
Retinal dystrophy. Also called: Inherited retinal dystrophy. Identifiers: Orphanet 71862, MedGen C0854723, MeSH D058499, MONDO:0019118, HP:0000556.
Hereditary spastic paraplegia 48. Also called: SPASTIC PARAPLEGIA 48, AUTOSOMAL RECESSIVE; Spastic paraplegia 48. Identifiers: Orphanet 306511, MedGen C3150901, MONDO:0013342, OMIM 613647.

Allele frequency attached by ClinVar (database versions not stated): TOPMed 0.00005; ESP Exome Variant Server 0.00008.
gnomAD v4.1: 101 of 1,551,498 alleles (0.0065%); highest among the groups gnomAD compares: South Asian, 0.078%; no homozygotes.

Submissions (3):

Labcorp Genetics (formerly Invitae), Labcorp
Classification: Uncertain significance for Hereditary spastic paraplegia 48. Last evaluated: 2024-10-22. Review status: criteria provided, single submitter. Criteria: Invitae Variant Classification Sherloc (09022015). Collection method: clinical testing. Allele origin: germline.
Comment: This sequence change replaces alanine, which is neutral and non-polar, with threonine, which is neutral and polar, at codon 460 of the AP5Z1 protein (p.Ala460Thr). This variant is present in population databases (rs371881628, gnomAD 0.1%). This variant has not been reported in the literature in individuals affected with AP5Z1-related conditions. ClinVar contains an entry for this variant (Variation ID: 653182). Invitae Evidence Modeling of protein sequence and biophysical properties (such as structural, functional, and spatial information, amino acid conservation, physicochemical variation, residue mobility, and thermodynamic stability) indicates that this missense variant is not expected to disrupt AP5Z1 protein function with a negative predictive value of 80%. In summary, the available evidence is currently insufficient to determine the role of this variant in disease. Therefore, it has been classified as a Variant of Uncertain Significance.

Blueprint Genetics
Classification: Uncertain significance. Last evaluated: 2024-01-29. Review status: criteria provided, single submitter. Criteria: ACMG Guidelines, 2015. Collection method: clinical testing. Allele origin: germline.

Institute of Human Genetics, Univ. Regensburg, Univ. Regensburg
Classification: Uncertain significance for Retinal dystrophy. Last evaluated: 2022-01-01. Review status: no assertion criteria provided. Criteria: ACMG Guidelines, 2015. Collection method: clinical testing. Allele origin: germline. Affected: yes. Not counted in ClinVar's aggregate classification.